The following is an entry in ClinVar:

NM_000094.4(COL7A1):c.3363C>G (p.Ile1121Met)

Gene: COL7A1 (collagen type VII alpha 1 chain; minus strand). Cytogenetic location: 3p21.31.
Variant type: single nucleotide variant.
Coding change: c.3363C>G on transcript NM_000094.4 (MANE Select); coding-DNA position 3363, C replaced by G.
Protein change: p.Ile1121Met; replaces isoleucine 1121 with methionine.
Molecular consequence: missense variant.
Genome position (GRCh38, 1-based): chr3:48,586,603, G>C on the plus strand (C>G on the coding strand, the complement: COL7A1 is on the minus strand). VCF-style: chr3-48586603-G-C. GRCh37 (hg19) VCF-style: chr3-48624036-G-C.
Other names: short protein forms I1121M.
Identifiers: ClinVar variation 4762639 (VCV004762639.2).

ClinVar aggregate classification (germline): Uncertain significance. Review status: criteria provided, multiple submitters, no conflicts (2 of 4 stars). 2 submissions from 2 submitters: Uncertain significance (2). Last evaluated 2025-12-15.

Conditions:
Inborn genetic diseases. Identifiers: MedGen C0950123, MeSH D030342.

gnomAD v4.1: 12 of 1,613,784 alleles (0.00074%); highest among the groups gnomAD compares: Non-Finnish European, 0.00093%; no homozygotes.

Submissions (2):

Ambry Genetics
Classification: Uncertain significance for Inborn genetic diseases. Last evaluated: 2025-12-15. Review status: criteria provided, single submitter. Criteria: Ambry Variant Classification Scheme 2023. Collection method: clinical testing. Allele origin: germline.

Labcorp Genetics (formerly Invitae), Labcorp
Classification: Uncertain significance. Last evaluated: 2025-04-29. Review status: criteria provided, single submitter. Criteria: Invitae Variant Classification Sherloc (09022015). Collection method: clinical testing. Allele origin: germline.
Comment: This sequence change replaces isoleucine, which is neutral and non-polar, with methionine, which is neutral and non-polar, at codon 1121 of the COL7A1 protein (p.Ile1121Met). This variant is not present in population databases (gnomAD no frequency). This variant has not been reported in the literature in individuals affected with COL7A1-related conditions. Invitae Evidence Modeling of protein sequence and biophysical properties (such as structural, functional, and spatial information, amino acid conservation, physicochemical variation, residue mobility, and thermodynamic stability) indicates that this missense variant is not expected to disrupt COL7A1 protein function with a negative predictive value of 95%. In summary, the available evidence is currently insufficient to determine the role of this variant in disease. Therefore, it has been classified as a Variant of Uncertain Significance.